The following is an entry in ClinVar:

ClinVar aggregate classification (germline): Conflicting classifications of pathogenicity. Review status: criteria provided, conflicting classifications (1 of 4 stars). 7 submissions from 7 submitters: Uncertain significance (5); Likely benign (1). 1 of the submissions does not count toward it. Last evaluated 2026-01-12.

Conditions:
Fanconi anemia (FA). Also called: Fanconi's anemia. Identifiers: Orphanet 84, MedGen C0015625, MeSH D005199, MONDO:0019391.
Fanconi anemia complementation group A (FANCA). Also called: FANCA-Related Fanconi Anemia; Fanconi anemia, group A. Identifiers: Orphanet 84, MedGen C3469521, MONDO:0009215, OMIM 227650.

Allele frequency attached by ClinVar (database versions not stated): gnomAD exomes 0.00008 and 0.00010; ExAC 0.00009; gnomAD 0.00011 and 0.00012; TOPMed 0.00012.
gnomAD v4.1: 134 of 1,613,954 alleles (0.0083%); highest among the groups gnomAD compares: Middle Eastern, 0.034%; no homozygotes.

Submissions (7):

Labcorp Genetics (formerly Invitae), Labcorp
Classification: Likely benign for Fanconi anemia. Last evaluated: 2026-01-12. Review status: criteria provided, single submitter. Criteria: Invitae Variant Classification Sherloc (09022015). Collection method: clinical testing. Allele origin: germline.

Quest Diagnostics Nichols Institute San Juan Capistrano
Classification: Uncertain significance. Last evaluated: 2025-03-06. Review status: criteria provided, single submitter. Criteria: Quest Diagnostics criteria. Collection method: clinical testing. Allele origin: unknown.
Comment: The FANCA c.2029G>A (p.Val677Met) variant has been reported in the published literature in individuals with pancreatic cancer (PMID: 28767289 (2017), 32659497 (2020)) and ovarian cancer (PMID: 32546565 (2021)). This variant has also been identified in reportedly healthy individuals (PMID: 29641532 (2018), 32546565 (2021)). The frequency of this variant in the general population (Genome Aggregation Database) is uninformative in the assessment of its pathogenicity. Analysis of this variant using bioinformatics tools for the prediction of the effect of amino acid changes on protein structure and function yielded predictions that this variant is benign. Based on the available information, we are unable to determine the clinical significance of this variant.

GeneDx
Classification: Uncertain significance. Last evaluated: 2025-02-04. Review status: criteria provided, single submitter. Criteria: GeneDx Variant Classification Process June 2021. Collection method: clinical testing. Allele origin: germline. Affected: yes.
Comment: Reported as a variant of uncertain significance in an individual with pancreatic cancer (PMID: 28767289, 32659497); In silico analysis supports that this missense variant does not alter protein structure/function; This variant is associated with the following publications: (PMID: 28767289, 32659497)

Fulgent Genetics
Classification: Uncertain significance for Fanconi anemia complementation group A. Last evaluated: 2024-02-07. Review status: criteria provided, single submitter. Criteria: ACMG Guidelines, 2015. Collection method: clinical testing. Allele origin: germline.

St. Jude Molecular Pathology, St. Jude Children's Research Hospital
Classification: Uncertain significance for Fanconi anemia. Last evaluated: 2021-11-17. Review status: criteria provided, single submitter. Criteria: St. Jude Assertion Criteria 2020. Collection method: clinical testing. Allele origin: germline.
Comment: The FANCA c.2029G>A (p.Val677Met) missense change has a maximum subpopulation frequency of 0.019% in gnomAD v2.1.1. Six of seven in silico tools predict a benign effect of this variant on protein function (BP4), but to our knowledge these predictions have not been confirmed by functional assays. This variant has been reported in an individual with pancreatic ductal adenocarcinoma (PMID: 28767289), as well as in a non-cancer control individual (PMID: 29641532). To our knowledge, this variant has not been reported in individuals with Fanconi anemia. In summary, this variant meets criteria to be classified as of uncertain significance based on the ACMG/AMP criteria: BP4.

Sema4
Classification: Uncertain significance for Fanconi anemia. Last evaluated: 2021-09-30. Review status: criteria provided, single submitter. Criteria: Sema4 Curation Guidelines. Collection method: curation. Allele origin: germline.
Comment: The FANCA c.2029G>A (p.V677M) has been reported as heterozygous in at least one individual with pancreatic cancer (PMID: 28767289, 32659497). This variant was observed in 25/129190 chromosomes in the Non-Finnish European population, with 0 homozygotes, according to the Genome Aggregation Database (PMID: 32461654). The variant has been reported in ClinVar (Variation ID: 526387). Functional studies have not been performed, and in silico predictions of the variant's effect on protein function are inconclusive. The evidence is insufficient to meet ACMG/AMP criteria for classifying the variant as benign or pathogenic. Thus, the clinical significance of this variant is currently uncertain.

Natera, Inc.
Classification: Uncertain significance for Fanconi anemia, group A. Last evaluated: 2020-09-16. Review status: no assertion criteria provided. Collection method: clinical testing. Allele origin: germline. Not counted in ClinVar's aggregate classification.

Literature cited by the submitters: PubMed 28767289 (cited by Quest Diagnostics Nichols Institute San Juan Capistrano and Sema4); PubMed 32659497 (cited by Quest Diagnostics Nichols Institute San Juan Capistrano and Sema4); PubMed 29641532 (cited by Quest Diagnostics Nichols Institute San Juan Capistrano); PubMed 32546565 (cited by Quest Diagnostics Nichols Institute San Juan Capistrano).

NM_000135.4(FANCA):c.2029G>A (p.Val677Met)

Gene: FANCA (FA complementation group A; minus strand). Cytogenetic location: 16q24.3.
Variant type: single nucleotide variant.
Coding change: c.2029G>A on transcript NM_000135.4 (MANE Select); coding-DNA position 2029, G replaced by A.
Protein change: p.Val677Met; replaces valine 677 with methionine.
Molecular consequence: missense variant.
Genome position (GRCh38, 1-based): chr16:89,771,800, C>T on the plus strand (G>A on the coding strand, the complement: FANCA is on the minus strand). VCF-style: chr16-89771800-C-T. GRCh37 (hg19) VCF-style: chr16-89838208-C-T.
Other names: c.2029G>A (NM_000135.3, LRG_495t1); c.2029G>A, p.Val677Met (NM_001286167.3); short protein forms V677M.
Identifiers: ClinVar variation 526387 (VCV000526387.19), dbSNP rs767396631, ClinGen allele CA8251928.